The following is an entry in ClinVar:

NM_001035.3(RYR2):c.13913A>C (p.Gln4638Pro)

Gene: RYR2 (ryanodine receptor 2; plus strand). Cytogenetic location: 1q43.
Variant type: single nucleotide variant.
Coding change: c.13913A>C on transcript NM_001035.3 (MANE Select); coding-DNA position 13913, A replaced by C.
Protein change: p.Gln4638Pro; replaces glutamine 4638 with proline.
Molecular consequence: missense variant.
Genome position (GRCh38, 1-based): chr1:237,793,997, A>C. VCF-style: chr1-237793997-A-C. GRCh37 (hg19) VCF-style: chr1-237957297-A-C.
Other names: short protein forms Q4638P.
Identifiers: ClinVar variation 3894061 (VCV003894061.1).

ClinVar aggregate classification (germline): Uncertain significance (1 of 4 stars; one submission).

Conditions:
Cardiomyopathy (CMYO). Also called: Cardiomyopathies. Identifiers: Orphanet 167848, MedGen C0878544, MONDO:0004994, HP:0001638. Inheritance: Various modes of inheritance.

Submission:

Color Diagnostics, LLC DBA Color Health
Classification: Uncertain significance for Cardiomyopathy. Last evaluated: 2024-09-03. Review status: criteria provided, single submitter. Criteria: ACMG Guidelines, 2015. Collection method: clinical testing. Allele origin: germline.
Comment: This missense variant replaces glutamine with proline at codon 4638 of the RYR2 protein. Computational prediction suggests that this variant may not impact protein structure and function (internally defined REVEL score threshold <= 0.5, PMID: 27666373). To our knowledge, functional studies have not been reported for this variant. This variant has not been reported in individuals affected with RYR2-related disorders in the literature. This variant has not been identified in the general population by the Genome Aggregation Database (gnomAD). The available evidence is insufficient to determine the role of this variant in disease conclusively. Therefore, this variant is classified as a Variant of Uncertain Significance.